The following is an entry in ClinVar:

NC_000016.10:g.172872C>G

Genes: HBA2 (hemoglobin subunit alpha 2; plus strand), LOC106804612 (hemoglobin subunit alpha 2 recombination region; plus strand). Cytogenetic location: 16p13.3.
Variant type: single nucleotide variant.
Genome position: GRCh38 VCF-style: chr16-172872-C-G. GRCh37 (hg19) VCF-style: chr16-222871-C-G.
Identifiers: ClinVar variation 439119 (VCV000439119.11), dbSNP rs1188584832, ClinGen allele CA620304232.

ClinVar aggregate classification (germline): Conflicting classifications of pathogenicity. Review status: criteria provided, conflicting classifications (1 of 4 stars). 2 submissions from 2 submitters: Uncertain significance (1); Likely benign (1). Last evaluated 2018-09-28.

Submissions (2):

ARUP Laboratories, Molecular Genetics and Genomics, ARUP Laboratories
Classification: Likely benign. Last evaluated: 2018-09-28. Review status: criteria provided, single submitter. Criteria: ARUP Molecular Germline Variant Investigation Process. Collection method: clinical testing. Allele origin: germline.
Comment: The HBA2 c.-41C>G variant, to our knowledge, is not reported in the medical literature but is reported in ClinVar (Variation ID: 439119). This variant is found on five chromosomes in the South Asian population in the Genome Aggregation Database. This variant occurs in the 5' untranslated region at a nucleotide that is weakly conserved and computational analyses (NetStart 1.0, Promoter 2.0) predict that this variant does not alter transcription or translation initiation. Based on available information, this variant is considered to be likely benign.

Quest Diagnostics Nichols Institute San Juan Capistrano
Classification: Uncertain significance. Last evaluated: 2016-08-16. Review status: criteria provided, single submitter. Criteria: Quest Diagnostics criteria. Collection method: clinical testing. Allele origin: germline.